The following is an entry in ClinVar:

NM_015378.4(VPS13D):c.2502T>C (p.Asn834=)

Gene: VPS13D (vacuolar protein sorting 13 homolog D; plus strand). Cytogenetic location: 1p36.22.
Variant type: single nucleotide variant.
Coding change: c.2502T>C on transcript NM_015378.4 (MANE Select); coding-DNA position 2502, T replaced by C.
Protein change: p.Asn834=; no amino-acid change (asparagine 834 retained).
Molecular consequence: synonymous variant.
Genome position (GRCh38, 1-based): chr1:12,276,090, T>C. VCF-style: chr1-12276090-T-C. GRCh37 (hg19) VCF-style: chr1-12336147-T-C.
Other names: p.Asn834=; c.2502T>C, p.Asn834= (NM_018156.4).
Identifiers: ClinVar variation 1278852 (VCV001278852.13), dbSNP rs7546794, ClinGen allele CA601828.

ClinVar aggregate classification (germline): Benign. Review status: criteria provided, multiple submitters, no conflicts (2 of 4 stars). 5 submissions from 5 submitters: Benign (4). 1 of the submissions does not count toward it. Last evaluated 2026-02-01.

Conditions:
VPS13D-related disorder. Also called: VPS13D-related condition.

Allele frequency attached by ClinVar (database versions not stated): 1000 Genomes Project 0.02676; gnomAD 0.03516 and 0.03311; ESP Exome Variant Server 0.03983; gnomAD exomes 0.01679 and 0.01787; ExAC 0.01888; 1000 Genomes Project 30x 0.02701; TOPMed 0.03489.
gnomAD v4.1: 29,707 of 1,613,986 alleles (1.8%); highest among the groups gnomAD compares: African/African-American, 8%; 433 homozygotes.

Submissions (5):

Labcorp Genetics (formerly Invitae), Labcorp
Classification: Benign. Last evaluated: 2026-02-01. Review status: criteria provided, single submitter. Criteria: Invitae Variant Classification Sherloc (09022015). Collection method: clinical testing. Allele origin: germline.

Mayo Clinic Laboratories, Mayo Clinic
Classification: Benign. Last evaluated: 2022-03-24. Review status: criteria provided, single submitter. Criteria: ACMG Guidelines, 2015. Collection method: clinical testing. Allele origin: germline. Observed: 74 variant alleles.

GeneDx
Classification: Benign. Last evaluated: 2021-05-05. Review status: criteria provided, single submitter. Criteria: GeneDx Variant Classification Process June 2021. Collection method: clinical testing. Allele origin: germline. Affected: yes.

Breakthrough Genomics
Classification: Benign. Review status: criteria provided, single submitter. Criteria: ACMG Guidelines, 2015. Collection method: not provided. Allele origin: germline. Inheritance: Autosomal recessive inheritance. Affected: yes.

PreventionGenetics, part of Exact Sciences
Classification: Benign for VPS13D-related condition. Last evaluated: 2019-06-04. Review status: no assertion criteria provided. Collection method: clinical testing. Allele origin: germline. Not counted in ClinVar's aggregate classification.
Comment: This variant is classified as benign based on ACMG/AMP sequence variant interpretation guidelines (Richards et al. 2015 PMID: 25741868, with internal and published modifications).